The following is an entry in ClinVar:

NM_198525.3(KIF7):c.3989G>A (p.Arg1330Gln)

Gene: KIF7 (kinesin family member 7; minus strand). Cytogenetic location: 15q26.1.
Variant type: single nucleotide variant.
Coding change: c.3989G>A on transcript NM_198525.3 (MANE Select); coding-DNA position 3989, G replaced by A.
Protein change: p.Arg1330Gln; replaces arginine 1330 with glutamine.
Molecular consequence: missense variant.
Genome position (GRCh38, 1-based): chr15:89,628,462, C>T on the plus strand (G>A on the coding strand, the complement: KIF7 is on the minus strand). VCF-style: chr15-89628462-C-T. GRCh37 (hg19) VCF-style: chr15-90171693-C-T.
Other names: c.3989G>A (NM_198525.2); short protein forms R1330Q.
Identifiers: ClinVar variation 1442225 (VCV001442225.6), dbSNP rs377066237, ClinGen allele CA7727452.

ClinVar aggregate classification (germline): Uncertain significance. Review status: criteria provided, multiple submitters, no conflicts (2 of 4 stars). 2 submissions from 2 submitters: Uncertain significance (2). Last evaluated 2024-01-08.

Conditions:
Inborn genetic diseases. Identifiers: MedGen C0950123, MeSH D030342.
Acrocallosal syndrome (ACLS). Also called: HALLUX DUPLICATION, POSTAXIAL POLYDACTYLY, AND ABSENCE OF CORPUS CALLOSUM; Schinzel syndrome 1; Absence of corpus callosum with unusual facial appearance, mental deficiency, duplication of the halluces and polydactyly. Identifiers: Orphanet 36, MedGen C0796147, MONDO:0008708, OMIM 200990.

Allele frequency attached by ClinVar (database versions not stated): gnomAD exomes 0.00002 and 0.00005; ExAC 0.00003; gnomAD 0.00005 and 0.00006; TOPMed 0.00005; ESP Exome Variant Server 0.00008.
gnomAD v4.1: 37 of 1,608,918 alleles (0.0023%); highest among the groups gnomAD compares: Admixed American, 0.025%; no homozygotes.

Submissions (2):

Ambry Genetics
Classification: Uncertain significance for Inborn genetic diseases. Last evaluated: 2024-01-08. Review status: criteria provided, single submitter. Criteria: Ambry Variant Classification Scheme 2023. Collection method: clinical testing. Allele origin: germline.

Labcorp Genetics (formerly Invitae), Labcorp
Classification: Uncertain significance for Acrocallosal syndrome. Last evaluated: 2022-06-08. Review status: criteria provided, single submitter. Criteria: Invitae Variant Classification Sherloc (09022015). Collection method: clinical testing. Allele origin: germline.
Comment: This sequence change replaces arginine, which is basic and polar, with glutamine, which is neutral and polar, at codon 1330 of the KIF7 protein (p.Arg1330Gln). This variant is present in population databases (rs377066237, gnomAD 0.02%). This variant has not been reported in the literature in individuals affected with KIF7-related conditions. Algorithms developed to predict the effect of missense changes on protein structure and function are either unavailable or do not agree on the potential impact of this missense change (SIFT: "Deleterious"; PolyPhen-2: "Probably Damaging"; Align-GVGD: "Class C0"). In summary, the available evidence is currently insufficient to determine the role of this variant in disease. Therefore, it has been classified as a Variant of Uncertain Significance.